The following is an entry in ClinVar:

NM_003172.4(SURF1):c.461C>T (p.Ser154Phe)

Gene: SURF1 (SURF1 cytochrome c oxidase assembly factor; minus strand). Cytogenetic location: 9q34.2.
Variant type: single nucleotide variant.
Coding change: c.461C>T on transcript NM_003172.4 (MANE Select); coding-DNA position 461, C replaced by T.
Protein change: p.Ser154Phe; replaces serine 154 with phenylalanine.
Molecular consequence: missense variant.
Genome position (GRCh38, 1-based): chr9:133,353,803, G>A on the plus strand (C>T on the coding strand, the complement: SURF1 is on the minus strand). VCF-style: chr9-133353803-G-A. GRCh37 (hg19) VCF-style: chr9-136220658-G-A.
Other names: c.134C>T, p.Ser45Phe (NM_001280787.1); short protein forms S154F, S45F.
Identifiers: ClinVar variation 1485019 (VCV001485019.5), dbSNP rs1392714895, ClinGen allele CA375694230.

ClinVar aggregate classification (germline): Uncertain significance (1 of 4 stars; one submission).

Conditions:
Leigh syndrome (NULS). Also called: Leigh's syndrome; LEIGH SYNDROME, NUCLEAR; Leigh Disease; Subacute necrotizing encephalopathy; Necrotizing encephalopathy infantile subacute of Leigh; Leigh's necrotizing encephalopathy. Identifiers: Orphanet 506, MedGen C2931891, MONDO:0009723, OMIM 256000.

Allele frequency attached by ClinVar (database versions not stated): gnomAD exomes below 0.00001; TOPMed below 0.00001; gnomAD 0.00001.

Submission:

Labcorp Genetics (formerly Invitae), Labcorp
Classification: Uncertain significance for Leigh syndrome. Last evaluated: 2021-09-01. Review status: criteria provided, single submitter. Criteria: Invitae Variant Classification Sherloc (09022015). Collection method: clinical testing. Allele origin: germline.
Comment: This sequence change replaces serine with phenylalanine at codon 154 of the SURF1 protein (p.Ser154Phe). The serine residue is weakly conserved and there is a large physicochemical difference between serine and phenylalanine. This variant is not present in population databases (ExAC no frequency). This variant has not been reported in the literature in individuals affected with SURF1-related conditions. Algorithms developed to predict the effect of missense changes on protein structure and function are either unavailable or do not agree on the potential impact of this missense change (SIFT: "Deleterious"; PolyPhen-2: "Probably Damaging"; Align-GVGD: "Class C0"). In summary, the available evidence is currently insufficient to determine the role of this variant in disease. Therefore, it has been classified as a Variant of Uncertain Significance.